The following is an entry in ClinVar:

NM_001012720.2(RGR):c.683C>T (p.Ala228Val)

Gene: RGR (retinal G protein coupled receptor; plus strand). Cytogenetic location: 10q23.1.
Variant type: single nucleotide variant.
Coding change: c.683C>T on transcript NM_001012720.2 (MANE Select); coding-DNA position 683, C replaced by T.
Protein change: p.Ala228Val; replaces alanine 228 with valine.
Molecular consequence: missense variant. On other transcripts: intron variant (1).
Genome position (GRCh38, 1-based): chr10:84,257,945, C>T. VCF-style: chr10-84257945-C-T. GRCh37 (hg19) VCF-style: chr10-86017701-C-T.
Other names: c.695C>T, p.Ala232Val (NM_002921.4); c.631-563C>T (NM_001012722.2); short protein forms A228V, A232V.
Identifiers: ClinVar variation 1019900 (VCV001019900.10), dbSNP rs1250423883, ClinGen allele CA377392148.

ClinVar aggregate classification (germline): Uncertain significance (1 of 4 stars; one submission).

Allele frequency attached by ClinVar (database versions not stated): gnomAD exomes below 0.00001; TOPMed 0.00001.
gnomAD v4.1: 6 of 1,614,198 alleles (0.00037%); highest among the groups gnomAD compares: Non-Finnish European, 0.00051%; no homozygotes.

Submission:

Labcorp Genetics (formerly Invitae), Labcorp
Classification: Uncertain significance. Last evaluated: 2022-02-06. Review status: criteria provided, single submitter. Criteria: Invitae Variant Classification Sherloc (09022015). Collection method: clinical testing. Allele origin: germline.
Comment: In summary, the available evidence is currently insufficient to determine the role of this variant in disease. Therefore, it has been classified as a Variant of Uncertain Significance. Algorithms developed to predict the effect of missense changes on protein structure and function are either unavailable or do not agree on the potential impact of this missense change (SIFT: "Deleterious"; PolyPhen-2: "Not Available"; Align-GVGD: "Class C0"). ClinVar contains an entry for this variant (Variation ID: 1019900). This variant has not been reported in the literature in individuals affected with RGR-related conditions. This variant is present in population databases (no rsID available, gnomAD 0.0009%). This sequence change replaces alanine, which is neutral and non-polar, with valine, which is neutral and non-polar, at codon 228 of the RGR protein (p.Ala228Val).